The following is an entry in ClinVar:

ClinVar aggregate classification (germline): Likely benign. Review status: criteria provided, multiple submitters, no conflicts (2 of 4 stars). 3 submissions from 3 submitters: Likely benign (2). 1 of the submissions does not count toward it. Last evaluated 2021-01-25.

Conditions:
Hereditary cancer-predisposing syndrome. Also called: Hereditary Cancer Syndrome; Hereditary neoplastic syndrome; Neoplastic Syndromes, Hereditary; Tumor predisposition. Identifiers: Orphanet 140162, MedGen C0027672, MeSH D009386, MONDO:0015356.
Hereditary breast ovarian cancer syndrome. Also called: Hereditary breast and ovarian cancer syndrome (HBOC); Breast and ovarian cancer; BRCA1- and BRCA2-Associated Hereditary Breast and Ovarian Cancer; Hereditary breast and/or ovarian cancer syndrome; Hereditary breast and ovarian cancer; Hereditary breast and ovarian cancer syndrome. Identifiers: Orphanet 145, MedGen C0677776, MeSH D061325, MONDO:0003582. Disease mechanism: loss of function.

Allele frequency attached by ClinVar (database versions not stated): ExAC 0.00001; gnomAD 0.00001.
gnomAD v4.1: 1 of 1,613,596 alleles (0.000062%); highest among the groups gnomAD compares: Non-Finnish European, 0.000085%; no homozygotes.

Submissions (3):

Ambry Genetics
Classification: Likely benign for Hereditary cancer-predisposing syndrome. Last evaluated: 2021-01-25. Review status: criteria provided, single submitter. Criteria: Ambry Variant Classification Scheme 2023. Collection method: clinical testing. Allele origin: germline.

Labcorp Genetics (formerly Invitae), Labcorp
Classification: Likely benign for Hereditary breast ovarian cancer syndrome. Last evaluated: 2021-01-10. Review status: criteria provided, single submitter. Criteria: Invitae Variant Classification Sherloc (09022015). Collection method: clinical testing. Allele origin: germline.

Department of Pathology and Laboratory Medicine, Sinai Health System
Classification: Likely benign. Review status: no assertion criteria provided. Collection method: clinical testing. Allele origin: unknown. Affected: yes. Study: The Canadian Open Genetics Repository (COGR). Not counted in ClinVar's aggregate classification.
Comment: The BRCA1 p.Ser1130Ser variant was not identified in the literature, nor was it identified any of the following databases: dbSNP, NHLBI Exome Sequencing Project, HGMD, UMD, BIC, LOVD, and COSMIC. The variant does not result in a change of amino acid, and occurs outside of the splicing consensus sequence but four in silico or computational prediction software programs (SpliceSiteFinder, MaxEntScan, NNSPLICE, HumanSpliceFinder) predict a greater than 10% difference in splicing. However, the prediction is the abolishment of a splicing acceptor site for a nucleotide residue that occurs 707bp from the known splicing consensus site for exon 11. Thus, this finding is not likely to have functional or clinical significance. In summary, based on the above information, the clinical significance of this variant cannot be determined with certainty at this time although we would lean towards a more benign role for this variant. This variant is classified as predicted benign.

NM_007294.4(BRCA1):c.3390A>G (p.Ser1130=)

Genes: BRCA1 (BRCA1 DNA repair associated; minus strand), LOC126862571 (BRD4-independent group 4 enhancer GRCh37_chr17:41243136-41244335; plus strand). Cytogenetic location: 17q21.31.
Variant type: single nucleotide variant.
Coding change: c.3390A>G on transcript NM_007294.4 (MANE Select); coding-DNA position 3390, A replaced by G.
Protein change: p.Ser1130=; no amino-acid change (serine 1130 retained).
Molecular consequence: synonymous variant. On other transcripts: intron variant (135), splice acceptor variant (2).
Genome position (GRCh38, 1-based): chr17:43,092,141, T>C on the plus strand (A>G on the coding strand, the complement: BRCA1 is on the minus strand). VCF-style: chr17-43092141-T-C. GRCh37 (hg19) VCF-style: chr17-41244158-T-C.
Other names: c.407-1109A>G (NM_001408510.1); c.644-1109A>G (NM_001408470.1, NM_001408464.1, NM_001408468.1 and 3 more transcripts); c.647-1109A>G (NM_001408469.1, NM_001408453.1, NM_001408461.1 and 11 more transcripts); c.785-1109A>G (NM_001408397.1, NM_001408401.1, NM_001408396.1 and 13 more transcripts); c.665-1109A>G (NM_001408436.1, NM_001408444.1, NM_001408438.1 and 12 more transcripts); c.788-1109A>G (NM_001407980.1, NM_001407993.1, NM_001407976.1 and 17 more transcripts); c.653-1109A>G (NM_001408451.1); c.524-1109A>G (NM_001408498.1, NM_001408501.1, NM_001408500.1 and 3 more transcripts); and 41 more.
Identifiers: ClinVar variation 433707 (VCV000433707.13), dbSNP rs757237039, ClinGen allele CA057920.
Genomic context (GRCh38, chr17:43,092,141, plus strand): 5'-AGGTGTCTCAGAACAAACCTGAGATGCATGACTACTTCCCATAGGCTGTTCTAAGTTATC[T>C]GAAATCAGATATGGAGAGAAATCTGTATTAACAGTCTGAACTACTTCTTCATATTCTTGC-3'
Protein context (NP_009225.1, residues 1120-1140): VNTDFSPYLI[Ser1130=]DNLEQPMGSS